The following is an entry in ClinVar:

NM_006734.4(HIVEP2):c.7310A>C (p.Asp2437Ala)

Gene: HIVEP2 (HIVEP zinc finger 2; minus strand). Cytogenetic location: 6q24.2.
Variant type: single nucleotide variant.
Coding change: c.7310A>C on transcript NM_006734.4 (MANE Select); coding-DNA position 7310, A replaced by C.
Protein change: p.Asp2437Ala; replaces aspartic acid 2437 with alanine.
Molecular consequence: missense variant.
Genome position (GRCh38, 1-based): chr6:142,753,138, T>G on the plus strand (A>C on the coding strand, the complement: HIVEP2 is on the minus strand). VCF-style: chr6-142753138-T-G. GRCh37 (hg19) VCF-style: chr6-143074275-T-G.
Other names: short protein forms D2437A.
Identifiers: ClinVar variation 931829 (VCV000931829.11), dbSNP rs1774961744, ClinGen allele CA365940585.

ClinVar aggregate classification (germline): Uncertain significance. Review status: criteria provided, multiple submitters, no conflicts (2 of 4 stars). 2 submissions from 2 submitters: Uncertain significance (2). Last evaluated 2024-01-18.

Conditions:
Intellectual developmental disorder, autosomal dominant 43. Also called: Intellectual disability, autosomal dominant 43. Identifiers: MedGen C4707429, MONDO:0014858, OMIM 616977.

Submissions (2):

Labcorp Genetics (formerly Invitae), Labcorp
Classification: Uncertain significance. Last evaluated: 2024-01-18. Review status: criteria provided, single submitter. Criteria: Invitae Variant Classification Sherloc (09022015). Collection method: clinical testing. Allele origin: germline.
Comment: This sequence change replaces aspartic acid, which is acidic and polar, with alanine, which is neutral and non-polar, at codon 2437 of the HIVEP2 protein (p.Asp2437Ala). This variant is not present in population databases (gnomAD no frequency). This variant has not been reported in the literature in individuals affected with HIVEP2-related conditions. ClinVar contains an entry for this variant (Variation ID: 931829). An algorithm developed to predict the effect of missense changes on protein structure and function (PolyPhen-2) suggests that this variant is likely to be tolerated. In summary, the available evidence is currently insufficient to determine the role of this variant in disease. Therefore, it has been classified as a Variant of Uncertain Significance.

Centre for Mendelian Genomics, University Medical Centre Ljubljana
Classification: Uncertain significance for Intellectual developmental disorder, autosomal dominant 43. Last evaluated: 2020-02-19. Review status: criteria provided, single submitter. Criteria: ACMG Guidelines, 2015. Collection method: clinical testing. Allele origin: unknown. Affected: yes.
Comment: This variant was classified as: Uncertain significance. The available evidence favors the pathogenic nature of this variant, however the currently available data is insufficient to conclusively support its pathogenic nature. Thus this variant is classified as Uncertain significance - favor pathogenic. The following ACMG criteria were applied in classifying this variant: PM2,PM6,BP1.